The following is an entry in ClinVar:

NM_182914.3(SYNE2):c.12352G>A (p.Glu4118Lys)

Gene: SYNE2 (spectrin repeat containing nuclear envelope protein 2; plus strand). Cytogenetic location: 14q23.2.
Variant type: single nucleotide variant.
Coding change: c.12352G>A on transcript NM_182914.3 (MANE Select); coding-DNA position 12352, G replaced by A.
Protein change: p.Glu4118Lys; replaces glutamic acid 4118 with lysine.
Molecular consequence: missense variant.
Genome position (GRCh38, 1-based): chr14:64,098,792, G>A. VCF-style: chr14-64098792-G-A. GRCh37 (hg19) VCF-style: chr14-64565510-G-A.
Other names: c.12352G>A, p.Glu4118Lys (NM_015180.6); short protein forms E4118K.
Identifiers: ClinVar variation 313570 (VCV000313570.5), dbSNP rs763188798, ClinGen allele CA7222093.

ClinVar aggregate classification (germline): Likely benign (1 of 4 stars; one submission).

Conditions:
Emery-Dreifuss muscular dystrophy 5, autosomal dominant (EDMD5). Also called: EMERY-DREIFUSS MUSCULAR DYSTROPHY 5. Identifiers: Orphanet 261, MedGen C2751805, MONDO:0013072, OMIM 612999.

Allele frequency attached by ClinVar (database versions not stated): TOPMed below 0.00001; gnomAD exomes 0.00001 and 0.00002; ExAC 0.00002.
gnomAD v4.1: 22 of 1,614,166 alleles (0.0014%); highest among the groups gnomAD compares: Non-Finnish European, 0.0019%; no homozygotes.

Submission:

Illumina Laboratory Services, Illumina
Classification: Likely benign for Emery-Dreifuss muscular dystrophy 5, autosomal dominant. Last evaluated: 2018-01-13. Review status: criteria provided, single submitter. Criteria: ICSL Variant Classification Criteria 13 December 2019. Collection method: clinical testing. Allele origin: germline.
Comment: This variant was observed in the ICSL laboratory as part of a predisposition screen in an ostensibly healthy population. It had not been previously curated by ICSL or reported in the Human Gene Mutation Database (HGMD: prior to June 1st, 2018), and was therefore a candidate for classification through an automated scoring system. Utilizing variant allele frequency, disease prevalence and penetrance estimates, and inheritance mode, an automated score was calculated to assess if this variant is too frequent to cause the disease. Based on the score and internal cut-off values, a variant classified as likely benign is not then subjected to further curation. The score for this variant resulted in a classification of likely benign for this disease.